The following is an entry in ClinVar:

NM_001111.5(ADAR):c.3334T>C (p.Tyr1112His)

Gene: ADAR (adenosine deaminase RNA specific; minus strand). Cytogenetic location: 1q21.3.
Variant type: single nucleotide variant.
Coding change: c.3334T>C on transcript NM_001111.5 (MANE Select); coding-DNA position 3334, T replaced by C.
Protein change: p.Tyr1112His; replaces tyrosine 1112 with histidine.
Molecular consequence: missense variant.
Genome position (GRCh38, 1-based): chr1:154,585,326, A>G on the plus strand (T>C on the coding strand, the complement: ADAR is on the minus strand). VCF-style: chr1-154585326-A-G. GRCh37 (hg19) VCF-style: chr1-154557802-A-G.
Other names: c.2371T>C, p.Tyr791His (NM_001365049.1); c.3256T>C, p.Tyr1086His (NM_015840.4); c.3199T>C, p.Tyr1067His (NM_015841.4); c.2449T>C, p.Tyr817His (NM_001025107.3, NM_001193495.2, NM_001365046.1 and 2 more transcripts); c.3361T>C, p.Tyr1121His (NM_001365045.1); short protein forms Y1086H, Y1121H, Y817H, Y791H, Y1067H, Y1112H.
Identifiers: ClinVar variation 2000486 (VCV002000486.4), dbSNP rs2526450326, ClinGen allele CA342635198.

ClinVar aggregate classification (germline): Uncertain significance (1 of 4 stars; one submission).

Conditions:
Aicardi-Goutieres syndrome 6 (AGS6). Identifiers: Orphanet 51, MedGen C3539013, MONDO:0014007, OMIM 615010.
Symmetrical dyschromatosis of extremities (DSH). Also called: DYSCHROMATOSIS SYMMETRICA HEREDITARIA 1; RETICULATE ACROPIGMENTATION OF DOHI; SYMMETRIC DYSCHROMATOSIS OF THE EXTREMITIES; Dyschromatosis symmetrica hereditaria. Identifiers: Orphanet 41, MedGen C0406775, MONDO:0007483, OMIM 127400.

Allele frequency attached by ClinVar (database versions not stated): gnomAD exomes below 0.00001.
gnomAD v4.1: 1 of 1,614,182 alleles (0.000062%); highest among the groups gnomAD compares: Non-Finnish European, 0.000085%; no homozygotes.

Submission:

Labcorp Genetics (formerly Invitae), Labcorp
Classification: Uncertain significance for Aicardi-Goutieres syndrome 6; Symmetrical dyschromatosis of extremities. Last evaluated: 2025-07-28. Review status: criteria provided, single submitter. Criteria: Invitae Variant Classification Sherloc (09022015). Collection method: clinical testing. Allele origin: germline.
Comment: This sequence change replaces tyrosine, which is neutral and polar, with histidine, which is basic and polar, at codon 1112 of the ADAR protein (p.Tyr1112His). This variant is not present in population databases (gnomAD no frequency). This variant has not been reported in the literature in individuals affected with ADAR-related conditions. ClinVar contains an entry for this variant (Variation ID: 2000486). Invitae Evidence Modeling of protein sequence and biophysical properties (such as structural, functional, and spatial information, amino acid conservation, physicochemical variation, residue mobility, and thermodynamic stability) has been performed for this missense variant. However, the output from this modeling did not meet the statistical confidence thresholds required to predict the impact of this variant on ADAR protein function. In summary, the available evidence is currently insufficient to determine the role of this variant in disease. Therefore, it has been classified as a Variant of Uncertain Significance.